The following is an entry in ClinVar:

NM_018052.5(VAC14):c.1430C>T (p.Thr477Met)

Gene: VAC14 (VAC14 component of PIKFYVE complex; minus strand). Cytogenetic location: 16q22.1.
Variant type: single nucleotide variant.
Coding change: c.1430C>T on transcript NM_018052.5 (MANE Select); coding-DNA position 1430, C replaced by T.
Protein change: p.Thr477Met; replaces threonine 477 with methionine.
Molecular consequence: missense variant.
Genome position (GRCh38, 1-based): chr16:70,744,521, G>A on the plus strand (C>T on the coding strand, the complement: VAC14 is on the minus strand). VCF-style: chr16-70744521-G-A. GRCh37 (hg19) VCF-style: chr16-70778424-G-A.
Other names: c.728C>T, p.Thr243Met (NM_001351157.2); short protein forms T477M, T243M.
Identifiers: ClinVar variation 1984570 (VCV001984570.4), dbSNP rs371463788, ClinGen allele CA8147640.

ClinVar aggregate classification (germline): Uncertain significance (1 of 4 stars; one submission).

Allele frequency attached by ClinVar (database versions not stated): ExAC 0.00003; ESP Exome Variant Server 0.00008; TOPMed 0.00009.
gnomAD v4.1: 56 of 1,612,756 alleles (0.0035%); highest among the groups gnomAD compares: African/African-American, 0.02%; no homozygotes.

Submission:

Labcorp Genetics (formerly Invitae), Labcorp
Classification: Uncertain significance. Last evaluated: 2025-01-13. Review status: criteria provided, single submitter. Criteria: Invitae Variant Classification Sherloc (09022015). Collection method: clinical testing. Allele origin: germline.
Comment: This sequence change replaces threonine, which is neutral and polar, with methionine, which is neutral and non-polar, at codon 477 of the VAC14 protein (p.Thr477Met). This variant is present in population databases (rs371463788, gnomAD 0.03%). This variant has not been reported in the literature in individuals affected with VAC14-related conditions. ClinVar contains an entry for this variant (Variation ID: 1984570). An algorithm developed to predict the effect of missense changes on protein structure and function outputs the following: PolyPhen-2: "Possibly Damaging". The methionine amino acid residue is found in multiple mammalian species, which suggests that this missense change does not adversely affect protein function. In summary, the available evidence is currently insufficient to determine the role of this variant in disease. Therefore, it has been classified as a Variant of Uncertain Significance.